The following is an entry in ClinVar:

ClinVar aggregate classification (germline): Likely benign (1 of 4 stars; one submission).

Submission:

CeGaT Center for Human Genetics Tuebingen
Classification: Likely benign. Last evaluated: 2026-07-01. Review status: criteria provided, single submitter. Criteria: CeGaT Center For Human Genetics Tuebingen Variant Classification Criteria Version 2. Collection method: clinical testing. Allele origin: germline. Affected: yes. Observed: 1 variant allele.
Comment: HNMT: BP4, BP7

NM_006895.3(HNMT):c.246T>C (p.Cys82=)

Gene: HNMT (histamine N-methyltransferase; plus strand). Cytogenetic location: 2q22.1.
Variant type: single nucleotide variant.
Coding change: c.246T>C on transcript NM_006895.3 (MANE Select); coding-DNA position 246, T replaced by C.
Protein change: p.Cys82=; no amino-acid change (cysteine 82 retained).
Molecular consequence: synonymous variant.
Genome position (GRCh38, 1-based): chr2:138,000,973, T>C. VCF-style: chr2-138000973-T-C. GRCh37 (hg19) VCF-style: chr2-138758543-T-C.
Identifiers: ClinVar variation 5040110 (VCV005040110.1).
Genomic context (GRCh38, chr2:138,000,973, plus strand): 5'-TCTAGGTGAAATTGATCTTCAAATTCTCTCCAAAGTTCAGGCTCAATACCCAGGAGTTTG[T>C]ATCAACAATGAAGTTGTTGAGCCAAGTGCTGAACAAATTGCCAAATACAAAGGTACCTGT-3'
Protein context (NP_008826.1, residues 72-92): SKVQAQYPGV[Cys82=]INNEVVEPSA